The following is an entry in ClinVar:

ClinVar aggregate classification (germline): Uncertain significance (1 of 4 stars; one submission).

Submission:

Ambry Genetics
Classification: Uncertain significance. Last evaluated: 2021-10-29. Review status: criteria provided, single submitter. Criteria: Ambry Variant Classification Scheme 2023. Collection method: clinical testing. Allele origin: germline.
Comment: The p.G251V variant (also known as c.752G>T), located in coding exon 3 of the ALPK2 gene, results from a G to T substitution at nucleotide position 752. The glycine at codon 251 is replaced by valine, an amino acid with dissimilar properties. This amino acid position is conserved. In addition, this alteration is predicted to be tolerated by in silico analysis. Since supporting evidence is limited at this time, the clinical significance of this alteration remains unclear.

NM_052947.4(ALPK2):c.752G>T (p.Gly251Val)

Genes: ALPK2 (alpha kinase 2; minus strand), LOC114803473 (ALPK2 eExon liver enhancer; plus strand). Cytogenetic location: 18q21.31.
Variant type: single nucleotide variant.
Coding change: c.752G>T on transcript NM_052947.4 (MANE Select); coding-DNA position 752, G replaced by T.
Protein change: p.Gly251Val; replaces glycine 251 with valine.
Molecular consequence: missense variant.
Genome position (GRCh38, 1-based): chr18:58,580,024, C>A on the plus strand (G>T on the coding strand, the complement: ALPK2 is on the minus strand). VCF-style: chr18-58580024-C-A. GRCh37 (hg19) VCF-style: chr18-56247256-C-A.
Other names: short protein forms G251V.
Identifiers: ClinVar variation 1759376 (VCV001759376.2), dbSNP rs1208110863, ClinGen allele CA402567284.